The following is an entry in ClinVar:

NM_000368.5(TSC1):c.335T>A (p.Leu112His)

Gene: TSC1 (TSC complex subunit 1; minus strand). Cytogenetic location: 9q34.13.
Variant type: single nucleotide variant.
Coding change: c.335T>A on transcript NM_000368.5 (MANE Select); coding-DNA position 335, T replaced by A.
Protein change: p.Leu112His; replaces leucine 112 with histidine.
Molecular consequence: missense variant. On other transcripts: 5 prime UTR variant (1), intron variant (1).
Genome position (GRCh38, 1-based): chr9:132,925,615, A>T on the plus strand (T>A on the coding strand, the complement: TSC1 is on the minus strand). VCF-style: chr9-132925615-A-T. GRCh37 (hg19) VCF-style: chr9-135801002-A-T.
Other names: c.335T>A, p.Leu112His (NM_001162426.2); c.-29T>A (NM_001362177.2); c.210+1586T>A (NM_001162427.2); short protein forms L112H.
Identifiers: ClinVar variation 1360132 (VCV001360132.5), dbSNP rs2132231093, ClinGen allele CA375374387.

ClinVar aggregate classification (germline): Uncertain significance (1 of 4 stars; one submission).

Conditions:
Tuberous sclerosis 1 (TSC1). Identifiers: Orphanet 805, MedGen C1854465, MONDO:0008612, OMIM 191100.

Submission:

Labcorp Genetics (formerly Invitae), Labcorp
Classification: Uncertain significance for Tuberous sclerosis 1. Last evaluated: 2021-09-24. Review status: criteria provided, single submitter. Criteria: Invitae Variant Classification Sherloc (09022015). Collection method: clinical testing. Allele origin: germline.
Comment: This sequence change replaces leucine with histidine at codon 112 of the TSC1 protein (p.Leu112His). The leucine residue is highly conserved and there is a moderate physicochemical difference between leucine and histidine. This variant is not present in population databases (ExAC no frequency). This variant has not been reported in the literature in individuals with TSC1-related conditions. Algorithms developed to predict the effect of missense changes on protein structure and function are either unavailable or do not agree on the potential impact of this missense change (SIFT: "Deleterious"; PolyPhen-2: "Probably Damaging"; Align-GVGD: "Class C0"). In summary, the available evidence is currently insufficient to determine the role of this variant in disease. Therefore, it has been classified as a Variant of Uncertain Significance.